The following is an entry in ClinVar:

ClinVar aggregate classification (germline): Likely benign (0 of 4 stars; one submission).

Conditions:
DMPK-related disorder. Also called: DMPK-related condition.

gnomAD v4.1: 26 of 1,520,172 alleles (0.0017%); highest among the groups gnomAD compares: Admixed American, 0.01%; no homozygotes.

Submission:

PreventionGenetics, part of Exact Sciences
Classification: Likely benign for DMPK-related condition. Last evaluated: 2019-03-21. Review status: no assertion criteria provided. Collection method: clinical testing. Allele origin: germline.
Comment: This variant is classified as likely benign based on ACMG/AMP sequence variant interpretation guidelines (Richards et al. 2015 PMID: 25741868, with internal and published modifications).

NM_004409.5(DMPK):c.1275C>T (p.Ala425=)

Genes: DMPK (DM1 protein kinase; minus strand), LOC107075317 (origin of replication in DMPK trinucleotide repeat region; plus strand). Cytogenetic location: 19q13.32.
Variant type: single nucleotide variant.
Coding change: c.1275C>T on transcript NM_004409.5 (MANE Select); coding-DNA position 1275, C replaced by T.
Protein change: p.Ala425=; no amino-acid change (alanine 425 retained).
Molecular consequence: synonymous variant.
Genome position (GRCh38, 1-based): chr19:45,772,710, G>A on the plus strand (C>T on the coding strand, the complement: DMPK is on the minus strand). VCF-style: chr19-45772710-G-A. GRCh37 (hg19) VCF-style: chr19-46275968-G-A.
Other names: c.1260C>T, p.Ala420= (NM_001081560.3, NM_001081562.3, NM_001288766.2 and 1 more transcripts); c.1305C>T, p.Ala435= (NM_001081563.3); c.1353C>T, p.Ala451= (NM_001288764.2, NM_001424163.1); c.1008C>T, p.Ala336= (NM_001288765.2); c.1275C>T, p.Ala425= (NM_001424162.1, NM_001424164.1, NM_001424165.1 and 1 more transcripts); c.834C>T, p.Ala278= (NM_001424166.1).
Identifiers: ClinVar variation 3047460 (VCV003047460.2), dbSNP rs140685882, ClinGen allele CA9521179.